The following is an entry in ClinVar:

NM_001330260.2(SCN8A):c.3272A>C (p.Asn1091Thr)

Gene: SCN8A (sodium voltage-gated channel alpha subunit 8; plus strand). Cytogenetic location: 12q13.13.
Variant type: single nucleotide variant.
Coding change: c.3272A>C on transcript NM_001330260.2 (MANE Select); coding-DNA position 3272, A replaced by C.
Protein change: p.Asn1091Thr; replaces asparagine 1091 with threonine.
Molecular consequence: missense variant.
Genome position (GRCh38, 1-based): chr12:51,769,235, A>C. VCF-style: chr12-51769235-A-C. GRCh37 (hg19) VCF-style: chr12-52163019-A-C.
Other names: c.3272A>C, p.Asn1091Thr (NM_001177984.3, NM_001369788.1, NM_014191.4); c.3272A>C (NM_014191.2); short protein forms N1091T.
Identifiers: ClinVar variation 858739 (VCV000858739.11), dbSNP rs558738676, ClinGen allele CA6571571.

ClinVar aggregate classification (germline): Uncertain significance. Review status: criteria provided, multiple submitters, no conflicts (2 of 4 stars). 2 submissions from 2 submitters: Uncertain significance (2). Last evaluated 2023-11-30.

Conditions:
Early-infantile DEE. Also called: Early infantile epileptic encephalopathy; Early infantile epileptic encephalopathy with suppression bursts; Ohtahara syndrome. Identifiers: Orphanet 1934, MedGen C0393706, MONDO:0800491.
Inborn genetic diseases. Identifiers: MedGen C0950123, MeSH D030342.

Allele frequency attached by ClinVar (database versions not stated): TOPMed 0.00003.
gnomAD v4.1: 30 of 1,613,768 alleles (0.0019%); highest among the groups gnomAD compares: Non-Finnish European, 0.0024%; no homozygotes.

Submissions (2):

Ambry Genetics
Classification: Uncertain significance for Inborn genetic diseases. Last evaluated: 2023-11-30. Review status: criteria provided, single submitter. Criteria: Ambry Variant Classification Scheme 2023. Collection method: clinical testing. Allele origin: germline.

Labcorp Genetics (formerly Invitae), Labcorp
Classification: Uncertain significance for Early-infantile DEE. Last evaluated: 2023-11-19. Review status: criteria provided, single submitter. Criteria: Invitae Variant Classification Sherloc (09022015). Collection method: clinical testing. Allele origin: germline.
Comment: This sequence change replaces asparagine, which is neutral and polar, with threonine, which is neutral and polar, at codon 1091 of the SCN8A protein (p.Asn1091Thr). This variant is present in population databases (rs558738676, gnomAD 0.002%). This variant has not been reported in the literature in individuals affected with SCN8A-related conditions. ClinVar contains an entry for this variant (Variation ID: 858739). Advanced modeling of protein sequence and biophysical properties (such as structural, functional, and spatial information, amino acid conservation, physicochemical variation, residue mobility, and thermodynamic stability) performed at Invitae indicates that this missense variant is not expected to disrupt SCN8A protein function with a negative predictive value of 95%. In summary, the available evidence is currently insufficient to determine the role of this variant in disease. Therefore, it has been classified as a Variant of Uncertain Significance.